The following is an entry in ClinVar:

NM_001083614.2(EARS2):c.984G>A (p.Pro328=)

Gene: EARS2 (glutamyl-tRNA synthetase 2, mitochondrial; minus strand). Cytogenetic location: 16p12.2.
Variant type: single nucleotide variant.
Coding change: c.984G>A on transcript NM_001083614.2 (MANE Select); coding-DNA position 984, G replaced by A.
Protein change: p.Pro328=; no amino-acid change (proline 328 retained).
Molecular consequence: synonymous variant. On other transcripts: non-coding transcript variant (1).
Genome position (GRCh38, 1-based): chr16:23,532,740, C>T on the plus strand (G>A on the coding strand, the complement: EARS2 is on the minus strand). VCF-style: chr16-23532740-C-T. GRCh37 (hg19) VCF-style: chr16-23544061-C-T.
Other names: p.P328P:CCG>CCA; c.984G>A, p.Pro328= (NM_001308211.1).
Identifiers: ClinVar variation 137184 (VCV000137184.19), dbSNP rs77939239, ClinGen allele CA290695.
Genomic context (GRCh38, chr16:23,532,740, plus strand): 5'-CAGGTCCAGCAGGGCTGAGTGACAGGTGACCTGTGTCAGGTTGAACTGTGTGATCAGCTC[C>T]GGCAGGGTCCTGCCCATTTGGTTCTCTGCAAAGAAGAGAGGCCCAGCCACTCAGCTTCCT-3'
Protein context (NP_001077083.1, residues 318-338): FAENQMGRTL[Pro328=]ELITQFNLTQ

ClinVar aggregate classification (germline): Benign/Likely benign. Review status: criteria provided, multiple submitters, no conflicts (2 of 4 stars). 6 submissions from 6 submitters: Benign (4); Likely benign (1). 1 of the submissions does not count toward it. Last evaluated 2026-01-31.

Conditions:
Leukoencephalopathy-thalamus and brainstem anomalies-high lactate syndrome. Also called: LEUKOENCEPHALOPATHY WITH THALAMUS AND BRAINSTEM INVOLVEMENT AND HIGH LACTATE; Combined oxidative phosphorylation deficiency 12. Identifiers: Orphanet 314051, MedGen C4706421, MONDO:0013971, OMIM 614924.

Allele frequency attached by ClinVar (database versions not stated): 1000 Genomes Project 0.01378; 1000 Genomes Project 30x 0.01452; ExAC 0.02033; gnomAD exomes 0.02041 and 0.02537; gnomAD 0.02422 and 0.02510; TOPMed 0.02552; ESP Exome Variant Server 0.02630.
gnomAD v4.1: 40,856 of 1,613,614 alleles (2.5%); highest among the groups gnomAD compares: Non-Finnish European, 2.8%; 644 homozygotes.

Submissions (6):

Labcorp Genetics (formerly Invitae), Labcorp
Classification: Benign. Last evaluated: 2026-01-31. Review status: criteria provided, single submitter. Criteria: Invitae Variant Classification Sherloc (09022015). Collection method: clinical testing. Allele origin: germline.

Blueprint Genetics
Classification: Likely benign. Last evaluated: 2024-11-27. Review status: criteria provided, single submitter. Criteria: ACMG Guidelines, 2015. Collection method: clinical testing. Allele origin: germline.

Illumina Laboratory Services, Illumina
Classification: Benign for Leukoencephalopathy-thalamus and brainstem anomalies-high lactate syndrome. Last evaluated: 2018-01-12. Review status: criteria provided, single submitter. Criteria: ICSL Variant Classification Criteria 13 December 2019. Collection method: clinical testing. Allele origin: germline.
Comment: This variant was observed in the ICSL laboratory as part of a predisposition screen in an ostensibly healthy population. It had not been previously curated by ICSL or reported in the Human Gene Mutation Database (HGMD: prior to June 1st, 2018), and was therefore a candidate for classification through an automated scoring system. Utilizing variant allele frequency, disease prevalence and penetrance estimates, and inheritance mode, an automated score was calculated to assess if this variant is too frequent to cause the disease. Based on the score and internal cut-off values, a variant classified as benign is not then subjected to further curation. The score for this variant resulted in a classification of benign for this disease.

GeneDx
Classification: Benign. Last evaluated: 2013-10-21. Review status: criteria provided, single submitter. Criteria: GeneDx Variant Classification (06012015). Collection method: clinical testing. Allele origin: germline. Affected: yes.
Comment: This variant is considered likely benign or benign based on one or more of the following criteria: it is a conservative change, it occurs at a poorly conserved position in the protein, it is predicted to be benign by multiple in silico algorithms, and/or has population frequency not consistent with disease.

Breakthrough Genomics
Classification: Benign. Review status: criteria provided, single submitter. Criteria: ACMG Guidelines, 2015. Collection method: not provided. Allele origin: germline. Inheritance: Autosomal recessive inheritance. Affected: yes.

Mayo Clinic Laboratories, Mayo Clinic
Classification: Benign. Last evaluated: 2016-02-23. Review status: no assertion criteria provided. Collection method: clinical testing. Allele origin: unknown. Not counted in ClinVar's aggregate classification.